The following is an entry in ClinVar:

ClinVar aggregate classification (germline): Uncertain significance (1 of 4 stars; one submission).

Submission:

Women's Health and Genetics/Laboratory Corporation of America, LabCorp
Classification: Uncertain significance. Last evaluated: 2024-09-13. Review status: criteria provided, single submitter. Criteria: LabCorp Variant Classification Summary - May 2015. Collection method: clinical testing. Allele origin: germline.
Comment: Variant summary: AP3B1 c.1651-9T>A alters a conserved nucleotide located at a position not widely known to affect splicing. Several computational tools predict a significant impact on normal splicing: two predict the variant no significant impact on splicing, while two predict the variant weakens a 3' acceptor site. However, these predictions have yet to be confirmed by functional studies. The variant was absent in 250780 control chromosomes (gnomAD). The available data on variant occurrences in the general population are insufficient to allow any conclusion about variant significance. To our knowledge, no occurrence of c.1651-9T>A in individuals affected with Hermansky-Pudlak Syndrome and no experimental evidence demonstrating its impact on protein function have been reported. No submitters have cited clinical-significance assessments for this variant to ClinVar. Based on the evidence outlined above, the variant was classified as uncertain significance.

NM_003664.5(AP3B1):c.1651-9T>A

Gene: AP3B1 (adaptor related protein complex 3 subunit beta 1; minus strand). Cytogenetic location: 5q14.1.
Variant type: single nucleotide variant.
Coding change: c.1651-9T>A on transcript NM_003664.5 (MANE Select); 9 bases into the intron before coding-DNA position 1651, T replaced by A.
Molecular consequence: intron variant.
Genome position (GRCh38, 1-based): chr5:78,129,316, A>T on the plus strand (T>A on the coding strand, the complement: AP3B1 is on the minus strand). VCF-style: chr5-78129316-A-T. GRCh37 (hg19) VCF-style: chr5-77425140-A-T.
Other names: c.1504-9T>A (NM_001271769.2); c.1651-9T>A (NM_001410752.1).
Identifiers: ClinVar variation 3374829 (VCV003374829.1).